The following is an entry in ClinVar:

NM_020812.4(DOCK6):c.4839C>T (p.His1613=)

Genes: DOCK6 (dedicator of cytokinesis 6; minus strand), DOCK6-AS1 (DOCK6 antisense RNA 1; plus strand). Cytogenetic location: 19p13.2.
Variant type: single nucleotide variant.
Coding change: c.4839C>T on transcript NM_020812.4 (MANE Select); coding-DNA position 4839, C replaced by T.
Protein change: p.His1613=; no amino-acid change (histidine 1613 retained).
Molecular consequence: synonymous variant.
Genome position (GRCh38, 1-based): chr19:11,209,016, G>A on the plus strand (C>T on the coding strand, the complement: DOCK6 is on the minus strand). VCF-style: chr19-11209016-G-A. GRCh37 (hg19) VCF-style: chr19-11319692-G-A.
Other names: c.4944C>T, p.His1648= (NM_001367830.1).
Identifiers: ClinVar variation 1579773 (VCV001579773.16), dbSNP rs371213082, ClinGen allele CA9206721.

ClinVar aggregate classification (germline): Benign/Likely benign. Review status: criteria provided, multiple submitters, no conflicts (2 of 4 stars). 3 submissions from 3 submitters: Benign (1); Likely benign (2). Last evaluated 2025-10-24.

Allele frequency attached by ClinVar (database versions not stated): 1000 Genomes Project 30x 0.00016; TOPMed 0.00022; ESP Exome Variant Server 0.00032; ExAC 0.00074; gnomAD exomes 0.00038 and 0.00063; gnomAD 0.00046 and 0.00050.
gnomAD v4.1: 636 of 1,611,812 alleles (0.039%); highest among the groups gnomAD compares: Non-Finnish European, 0.035%; 1 homozygote.

Submissions (3):

Labcorp Genetics (formerly Invitae), Labcorp
Classification: Benign. Last evaluated: 2025-10-24. Review status: criteria provided, single submitter. Criteria: Invitae Variant Classification Sherloc (09022015). Collection method: clinical testing. Allele origin: germline.

CeGaT Center for Human Genetics Tuebingen
Classification: Likely benign. Last evaluated: 2025-07-01. Review status: criteria provided, single submitter. Criteria: CeGaT Center For Human Genetics Tuebingen Variant Classification Criteria Version 2. Collection method: clinical testing. Allele origin: germline. Affected: yes. Observed: 2 variant alleles.
Comment: DOCK6: BP4, BP7

Blueprint Genetics
Classification: Likely benign. Last evaluated: 2024-10-25. Review status: criteria provided, single submitter. Criteria: ACMG Guidelines, 2015. Collection method: clinical testing. Allele origin: germline.